The following is an entry in ClinVar:

ClinVar aggregate classification (germline): Benign. Review status: criteria provided, multiple submitters, no conflicts (2 of 4 stars). 5 submissions from 5 submitters: Benign (4). 1 of the submissions does not count toward it. Last evaluated 2023-07-07.

Conditions:
Fanconi anemia complementation group E (FANCE). Also called: FANCE-Related Fanconi Anemia. Identifiers: Orphanet 84, MedGen C3160739, MONDO:0010953, OMIM 600901.

Allele frequency attached by ClinVar (database versions not stated): ExAC 0.49656; 1000 Genomes Project 30x 0.35634; 1000 Genomes Project 0.35962; TOPMed 0.40438; gnomAD 0.42135 and 0.42515; gnomAD exomes 0.50190; ESP Exome Variant Server 0.41204.
gnomAD v4.1: 839,877 of 1,608,134 alleles (52%); highest among the groups gnomAD compares: Admixed American, 59%; 229,052 homozygotes.

Submissions (5):

KCCC/NGS Laboratory, Kuwait Cancer Control Center
Classification: Benign for Fanconi anemia complementation group E. Last evaluated: 2023-07-07. Review status: criteria provided, single submitter. Criteria: ACMG Guidelines, 2015. Collection method: clinical testing. Allele origin: germline. Affected: yes.

Genome-Nilou Lab
Classification: Benign for Fanconi anemia complementation group E. Last evaluated: 2021-08-10. Review status: criteria provided, single submitter. Criteria: ACMG Guidelines, 2015. Collection method: clinical testing. Allele origin: germline. Affected: no.

GeneDx
Classification: Benign. Last evaluated: 2019-01-10. Review status: criteria provided, single submitter. Criteria: GeneDx Variant Classification Process June 2021. Collection method: clinical testing. Allele origin: germline. Affected: yes.

PreventionGenetics, part of Exact Sciences
Classification: Benign. Review status: criteria provided, single submitter. Criteria: ACMG Guidelines, 2015. Collection method: clinical testing. Allele origin: germline.

Leiden Open Variation Database
Classification: Uncertain significance. Last evaluated: 2011-02-07. Review status: no assertion criteria provided. Collection method: curation. Allele origin: germline. Affected: yes. Not counted in ClinVar's aggregate classification.
Comment: Curator: Arleen D. Auerbach. Submitter to LOVD: Arleen D. Auerbach.

NM_021922.3(FANCE):c.900+39A>G

Gene: FANCE (FA complementation group E; plus strand). Cytogenetic location: 6p21.31.
Variant type: single nucleotide variant.
Coding change: c.900+39A>G on transcript NM_021922.3 (MANE Select); 39 bases into the intron after coding-DNA position 900, A replaced by G.
Molecular consequence: intron variant.
Genome position (GRCh38, 1-based): chr6:35,457,639, A>G. VCF-style: chr6-35457639-A-G. GRCh37 (hg19) VCF-style: chr6-35425416-A-G.
Identifiers: ClinVar variation 261436 (VCV000261436.6), dbSNP rs13214239, ClinGen allele CA3771518.